The following is an entry in ClinVar:

ClinVar aggregate classification (germline): Uncertain significance. Review status: criteria provided, multiple submitters, no conflicts (2 of 4 stars). 2 submissions from 2 submitters: Uncertain significance (2). Last evaluated 2023-07-15.

Conditions:
Hereditary cancer-predisposing syndrome. Also called: Hereditary Cancer Syndrome; Hereditary neoplastic syndrome; Tumor predisposition; Neoplastic Syndromes, Hereditary. Identifiers: Orphanet 140162, MedGen C0027672, MeSH D009386, MONDO:0015356.
Hereditary nonpolyposis colorectal neoplasms. Identifiers: MedGen C0009405, MeSH D003123.

Allele frequency attached by ClinVar (database versions not stated): gnomAD exomes below 0.00001.

Submissions (2):

Ambry Genetics
Classification: Uncertain significance for Hereditary cancer-predisposing syndrome. Last evaluated: 2023-07-15. Review status: criteria provided, single submitter. Criteria: Ambry Variant Classification Scheme 2023. Collection method: clinical testing. Allele origin: germline.
Comment: The p.H826R variant (also known as c.2477A>G), located in coding exon 4 of the MSH6 gene, results from an A to G substitution at nucleotide position 2477. The histidine at codon 826 is replaced by arginine, an amino acid with highly similar properties. This amino acid position is highly conserved in available vertebrate species. In addition, this alteration is predicted to be deleterious by in silico analysis. Since supporting evidence is limited at this time, the clinical significance of this alteration remains unclear.

Labcorp Genetics (formerly Invitae), Labcorp
Classification: Uncertain significance for Hereditary nonpolyposis colorectal neoplasms. Last evaluated: 2022-12-11. Review status: criteria provided, single submitter. Criteria: Invitae Variant Classification Sherloc (09022015). Collection method: clinical testing. Allele origin: germline.
Comment: Algorithms developed to predict the effect of missense changes on protein structure and function (SIFT, PolyPhen-2, Align-GVGD) all suggest that this variant is likely to be disruptive. ClinVar contains an entry for this variant (Variation ID: 1791845). This variant has not been reported in the literature in individuals affected with MSH6-related conditions. This variant is not present in population databases (gnomAD no frequency). This sequence change replaces histidine, which is basic and polar, with arginine, which is basic and polar, at codon 826 of the MSH6 protein (p.His826Arg). In summary, the available evidence is currently insufficient to determine the role of this variant in disease. Therefore, it has been classified as a Variant of Uncertain Significance.

NM_000179.3(MSH6):c.2477A>G (p.His826Arg)

Gene: MSH6 (mutS homolog 6; plus strand). Cytogenetic location: 2p16.3.
Variant type: single nucleotide variant.
Coding change: c.2477A>G on transcript NM_000179.3 (MANE Select); coding-DNA position 2477, A replaced by G.
Protein change: p.His826Arg; replaces histidine 826 with arginine.
Molecular consequence: missense variant.
Genome position (GRCh38, 1-based): chr2:47,800,460, A>G. VCF-style: chr2-47800460-A-G. GRCh37 (hg19) VCF-style: chr2-48027599-A-G.
Other names: c.2087A>G, p.His696Arg (NM_001281492.2); c.1571A>G, p.His524Arg (NM_001281493.2, NM_001281494.2, NM_001406811.1 and 6 more transcripts); c.2573A>G, p.His858Arg (NM_001406795.1, NM_001406802.1); c.2477A>G, p.His826Arg (NM_001406796.1, NM_001406798.1, NM_001406800.1 and 2 more transcripts); c.2180A>G, p.His727Arg (NM_001406797.1, NM_001406801.1, NM_001406805.1 and 10 more transcripts); c.1952A>G, p.His651Arg (NM_001406799.1, NM_001406806.1, NM_001406807.1); c.2399A>G, p.His800Arg (NM_001406804.1); c.2483A>G, p.His828Arg (NM_001406813.1); and 1 more; short protein forms H524R, H651R, H727R, H770R, H800R, H826R, H858R, H696R.
Identifiers: ClinVar variation 1791845 (VCV001791845.6), dbSNP rs2104408765, ClinGen allele CA346754152.